The following is an entry in ClinVar:

ClinVar aggregate classification (germline): Benign (1 of 4 stars; one submission).

Submission:

GeneDx
Classification: Benign. Last evaluated: 2018-06-14. Review status: criteria provided, single submitter. Criteria: GeneDx Variant Classification (06012015). Collection method: clinical testing. Allele origin: germline. Affected: yes.
Comment: This variant is considered likely benign or benign based on one or more of the following criteria: it is a conservative change, it occurs at a poorly conserved position in the protein, it is predicted to be benign by multiple in silico algorithms, and/or has population frequency not consistent with disease.

NM_170707.4(LMNA):c.357-4646AAT[3]

Gene: LMNA (lamin A/C; plus strand). Cytogenetic location: 1q22.
Variant type: Microsatellite.
Coding change: c.357-4646AAT[3] on transcript NM_170707.4 (MANE Select); three copies in a row of the 3-base unit AAT starting at c.357-4646.
Molecular consequence: intron variant.
Genome position: GRCh38 VCF-style: chr1-156125970-AAAT-A. GRCh37 (hg19) VCF-style: chr1-156095761-AAAT-A.
Other names: c.357-4646AAT[3] (NM_001282625.2, NM_001282626.2, NM_170708.4 and 1 more transcripts).
Identifiers: ClinVar variation 675407 (VCV000675407.1), dbSNP rs150950685, ClinGen allele CA31004897.